The following is an entry in ClinVar:

NM_012281.3(KCND2):c.1441C>T (p.Leu481=)

Gene: KCND2 (potassium voltage-gated channel subfamily D member 2; plus strand). Cytogenetic location: 7q31.31.
Variant type: single nucleotide variant.
Coding change: c.1441C>T on transcript NM_012281.3 (MANE Select); coding-DNA position 1441, C replaced by T.
Protein change: p.Leu481=; no amino-acid change (leucine 481 retained).
Molecular consequence: synonymous variant.
Genome position (GRCh38, 1-based): chr7:120,742,576, C>T. VCF-style: chr7-120742576-C-T. GRCh37 (hg19) VCF-style: chr7-120382630-C-T.
Other names: p.Leu481=.
Identifiers: ClinVar variation 529729 (VCV000529729.12), dbSNP rs370190131, ClinGen allele CA4453680.

ClinVar aggregate classification (germline): Benign/Likely benign. Review status: criteria provided, multiple submitters, no conflicts (2 of 4 stars). 2 submissions from 2 submitters: Benign (1); Likely benign (1). Last evaluated 2026-01-26.

Conditions:
Early Myoclonic Encephalopathy. Identifiers: MedGen C0270855.

Allele frequency attached by ClinVar (database versions not stated): gnomAD 0.00042 and 0.00044; gnomAD exomes 0.00048 and 0.00060; ESP Exome Variant Server 0.00031; TOPMed 0.00046; ExAC 0.00054.
gnomAD v4.1: 802 of 1,613,502 alleles (0.05%); highest among the groups gnomAD compares: Middle Eastern, 0.53%; 3 homozygotes.

Submissions (2):

Labcorp Genetics (formerly Invitae), Labcorp
Classification: Likely benign for Early Myoclonic Encephalopathy. Last evaluated: 2026-01-26. Review status: criteria provided, single submitter. Criteria: Invitae Variant Classification Sherloc (09022015). Collection method: clinical testing. Allele origin: germline.

Mayo Clinic Laboratories, Mayo Clinic
Classification: Benign. Last evaluated: 2025-01-09. Review status: criteria provided, single submitter. Criteria: ACMG Guidelines, 2015. Collection method: clinical testing. Allele origin: germline. Observed: 1 variant allele.
Comment: BS1, BS2, BP4, BP7